The following is an entry in ClinVar:

NM_003190.5(TAPBP):c.137T>C (p.Leu46Pro)

Gene: TAPBP (TAP binding protein; minus strand). Cytogenetic location: 6p21.32.
Variant type: single nucleotide variant.
Coding change: c.137T>C on transcript NM_003190.5 (MANE Select); coding-DNA position 137, T replaced by C.
Protein change: p.Leu46Pro; replaces leucine 46 with proline.
Molecular consequence: missense variant.
Genome position (GRCh38, 1-based): chr6:33,313,765, A>G on the plus strand (T>C on the coding strand, the complement: TAPBP is on the minus strand). VCF-style: chr6-33313765-A-G. GRCh37 (hg19) VCF-style: chr6-33281542-A-G.
Other names: c.137T>C, p.Leu46Pro (NM_001410875.1, NM_172208.3, NM_172209.3); short protein forms L46P.
Identifiers: ClinVar variation 4742944 (VCV004742944.1).

ClinVar aggregate classification (germline): Uncertain significance (1 of 4 stars; one submission).

Conditions:
MHC class I deficiency. Identifiers: Orphanet 34592, MedGen C6024714, MONDO:0011476.

gnomAD v4.1: 3 of 1,613,646 alleles (0.00019%); highest among the groups gnomAD compares: East Asian, 0.0022%; no homozygotes.

Submission:

Labcorp Genetics (formerly Invitae), Labcorp
Classification: Uncertain significance for MHC class I deficiency 1. Last evaluated: 2025-10-09. Review status: criteria provided, single submitter. Criteria: Invitae Variant Classification Sherloc (09022015). Collection method: clinical testing. Allele origin: germline.
Comment: This sequence change replaces leucine, which is neutral and non-polar, with proline, which is neutral and non-polar, at codon 46 of the TAPBP protein (p.Leu46Pro). This variant is present in population databases (no rsID available, gnomAD 0.01%). This variant has not been reported in the literature in individuals affected with TAPBP-related conditions. An algorithm developed to predict the effect of missense changes on protein structure and function (PolyPhen-2) suggests that this variant is likely to be disruptive. In summary, the available evidence is currently insufficient to determine the role of this variant in disease. Therefore, it has been classified as a Variant of Uncertain Significance.